The following is an entry in ClinVar:

ClinVar aggregate classification (germline): Uncertain significance. Review status: criteria provided, multiple submitters, no conflicts (2 of 4 stars). 2 submissions from 2 submitters: Uncertain significance (2). Last evaluated 2022-06-26.

Conditions:
Dyskeratosis congenita, autosomal dominant 6 (DKCA6). Identifiers: Orphanet 3322, MedGen C4225284, MONDO:0014690, OMIM 616553.
Inborn genetic diseases. Identifiers: MedGen C0950123, MeSH D030342.

Allele frequency attached by ClinVar (database versions not stated): gnomAD exomes 0.00001.
gnomAD v4.1: 3 of 1,613,438 alleles (0.00019%); highest among the groups gnomAD compares: Non-Finnish European, 0.00025%; no homozygotes.

Submissions (2):

Ambry Genetics
Classification: Uncertain significance for Inborn genetic diseases. Last evaluated: 2022-06-26. Review status: criteria provided, single submitter. Criteria: Ambry Variant Classification Scheme 2023. Collection method: clinical testing. Allele origin: germline.
Comment: The p.S407T variant (also known as c.1219T>A), located in coding exon 10 of the ACD gene, results from a T to A substitution at nucleotide position 1219. The serine at codon 407 is replaced by threonine, an amino acid with similar properties. This amino acid position is conserved. In addition, this alteration is predicted to be tolerated by in silico analysis. Since supporting evidence is limited at this time, the clinical significance of this alteration remains unclear.

Labcorp Genetics (formerly Invitae), Labcorp
Classification: Uncertain significance for Dyskeratosis congenita, autosomal dominant 6. Last evaluated: 2019-07-12. Review status: criteria provided, single submitter. Criteria: Invitae Variant Classification Sherloc (09022015). Collection method: clinical testing. Allele origin: germline.
Comment: In summary, the available evidence is currently insufficient to determine the role of this variant in disease. Therefore, it has been classified as a Variant of Uncertain Significance. Algorithms developed to predict the effect of missense changes on protein structure and function are either unavailable or do not agree on the potential impact of this missense change (SIFT: "Tolerated"; PolyPhen-2: "Possibly Damaging"; Align-GVGD: "Class C0"). This variant has not been reported in the literature in individuals with ACD-related conditions. This variant is not present in population databases (ExAC no frequency). This sequence change replaces serine with threonine at codon 407 of the ACD protein (p.Ser407Thr). The serine residue is highly conserved and there is a small physicochemical difference between serine and threonine.

NM_001082486.2(ACD):c.961T>A (p.Ser321Thr)

Gene: ACD (ACD shelterin complex subunit and telomerase recruitment factor; minus strand). Cytogenetic location: 16q22.1.
Variant type: single nucleotide variant.
Coding change: c.961T>A on transcript NM_001082486.2 (MANE Select); coding-DNA position 961, T replaced by A.
Protein change: p.Ser321Thr; replaces serine 321 with threonine.
Molecular consequence: missense variant.
Genome position (GRCh38, 1-based): chr16:67,658,231, A>T on the plus strand (T>A on the coding strand, the complement: ACD is on the minus strand). VCF-style: chr16-67658231-A-T. GRCh37 (hg19) VCF-style: chr16-67692134-A-T.
Other names: c.952T>A, p.Ser318Thr (NM_022914.3); short protein forms S318T, S321T.
Identifiers: ClinVar variation 933928 (VCV000933928.11), dbSNP rs2052915383, ClinGen allele CA396352650.